The following is an entry in ClinVar:

NM_001297.5(CNGB1):c.1631C>T (p.Pro544Leu)

Gene: CNGB1 (cyclic nucleotide gated channel subunit beta 1; minus strand). Cytogenetic location: 16q21.
Variant type: single nucleotide variant.
Coding change: c.1631C>T on transcript NM_001297.5 (MANE Select); coding-DNA position 1631, C replaced by T.
Protein change: p.Pro544Leu; replaces proline 544 with leucine.
Molecular consequence: missense variant.
Genome position (GRCh38, 1-based): chr16:57,923,285, G>A on the plus strand (C>T on the coding strand, the complement: CNGB1 is on the minus strand). VCF-style: chr16-57923285-G-A. GRCh37 (hg19) VCF-style: chr16-57957189-G-A.
Other names: c.1613C>T, p.Pro538Leu (NM_001286130.2); short protein forms P544L, P538L.
Identifiers: ClinVar variation 320091 (VCV000320091.22), dbSNP rs145234666, ClinGen allele CA8083377.
Genomic context (GRCh38, chr16:57,923,285, plus strand): 5'-ACCCTCCCCGCAGTCTTTCAATTTTCTGAGACCCCAGAGGGGTCTCACTCAGTGTCCTTC[G>A]GGGTGGTGGGGTCAGACCAGGCAACCACTGGGGACTCTGCTGGTGACAACGCCTTGAGCT-3'
Protein context (NP_001288.3, residues 534-554): PVVAWSDPTT[Pro544Leu]KDTDGQDRAA

ClinVar aggregate classification (germline): Conflicting classifications of pathogenicity. Review status: criteria provided, conflicting classifications (1 of 4 stars). 6 submissions from 6 submitters: Uncertain significance (4); Benign (1); Likely benign (1). Last evaluated 2026-07-13.

Conditions:
CNGB1-related disorder. Also called: CNGB1-related condition.
Retinitis pigmentosa (RP). Identifiers: Orphanet 791, MedGen C0035334, MeSH D012174, MONDO:0019200, OMIM 268000. Inheritance: Autosomal dominant, autosomal recessive and X linked inheritance.
Retinal dystrophy. Also called: Inherited retinal dystrophy. Identifiers: HP:0000556, Orphanet 71862, MedGen C0854723, MeSH D058499, MONDO:0019118.

Allele frequency attached by ClinVar (database versions not stated): 1000 Genomes Project 30x 0.00031; ExAC 0.00033; gnomAD exomes 0.00036 and 0.00038; TOPMed 0.00036; 1000 Genomes Project 0.00040; ESP Exome Variant Server 0.00041; gnomAD 0.00042 and 0.00044.
gnomAD v4.1: 608 of 1,611,872 alleles (0.038%); highest among the groups gnomAD compares: East Asian, 0.14%; no homozygotes.

Submissions (6):

PreventionGenetics, part of Exact Sciences
Classification: Uncertain significance for CNGB1-related condition. Last evaluated: 2026-07-13. Review status: criteria provided, single submitter. Criteria: ACMG Guidelines, 2015. Collection method: clinical testing. Allele origin: germline.
Comment: The CNGB1 c.1631C>T variant is predicted to result in the amino acid substitution p.Pro544Leu. This variant was previously reported in individuals with retinitis pigmentosa (supplementary data, Xu et al. 2014. PubMed ID: 24938718; supplementary data, Huang et al. 2014. PubMed ID: 25356976; supplementary data, Colombo et al. 2021. PubMed ID: 33576794). However, this variant is reported in 0.22% of alleles in individuals of East Asian descent in gnomAD, which may be too frequent to be a primary cause of disease. Although we suspect that this variant may be benign, at this time, the clinical significance of this variant is uncertain due to the absence of conclusive functional and genetic evidence.

Labcorp Genetics (formerly Invitae), Labcorp
Classification: Benign. Last evaluated: 2025-11-24. Review status: criteria provided, single submitter. Criteria: Invitae Variant Classification Sherloc (09022015). Collection method: clinical testing. Allele origin: germline.

Blueprint Genetics
Classification: Likely benign. Last evaluated: 2024-10-21. Review status: criteria provided, single submitter. Criteria: ACMG Guidelines, 2015. Collection method: clinical testing. Allele origin: germline.

Institute of Human Genetics, Univ. Regensburg, Univ. Regensburg
Classification: Uncertain significance for Retinal dystrophy. Last evaluated: 2022-01-01. Review status: criteria provided, single submitter. Criteria: ACMG Guidelines, 2015. Collection method: clinical testing. Allele origin: germline. Affected: yes.

Illumina Laboratory Services, Illumina
Classification: Uncertain significance for Retinitis pigmentosa. Last evaluated: 2018-01-12. Review status: criteria provided, single submitter. Criteria: ICSL Variant Classification Criteria 13 December 2019. Collection method: clinical testing. Allele origin: germline.

Eurofins Ntd Llc (ga)
Classification: Uncertain significance. Last evaluated: 2016-12-27. Review status: criteria provided, single submitter. Criteria: EGL Classification Definitions 2015. Collection method: clinical testing. Allele origin: germline. Observed: 1 variant allele, 1 heterozygote.

Literature cited by the submitters: PubMed 24938718 (cited by Institute of Human Genetics, Univ. Regensburg, Univ. Regensburg); PubMed 25356976 (cited by Institute of Human Genetics, Univ. Regensburg, Univ. Regensburg); PubMed 33576794 (cited by Institute of Human Genetics, Univ. Regensburg, Univ. Regensburg).